The following is an entry in ClinVar:

NM_175914.4(HNF4A):c.-171A>G

Gene: HNF4A (hepatocyte nuclear factor 4 alpha; plus strand). Cytogenetic location: 20q13.12.
Variant type: single nucleotide variant.
Coding change: c.-171A>G on transcript NM_175914.4; 171 bases upstream of the start codon, A replaced by G.
Genome position (GRCh38, 1-based): chr20:44,355,634, A>G. VCF-style: chr20-44355634-A-G. GRCh37 (hg19) VCF-style: chr20-42984274-A-G.
Identifiers: ClinVar variation 1337271 (VCV001337271.6), dbSNP rs2146126988, ClinGen allele CA2573054870.
Genomic context (GRCh38, chr20:44,355,634, plus strand): 5'-TTGCCATGGAGACAGCAACAGTCCCCAGCCGCGGGTTCCCTAAGTGACTGGTTACTCTTT[A>G]ACGTATCCACCCACCTTGGGTGATTAGAAGAATCAATAAGATAACCGGGCGGTGGCAGCT-3'

ClinVar aggregate classification (germline): Uncertain significance. Review status: reviewed by expert panel (3 of 4 stars). 2 submissions from 2 submitters: Uncertain significance (1). 1 of the submissions does not count toward it. Last evaluated 2025-10-13.

Conditions:
Monogenic diabetes. Identifiers: Orphanet 183625, MedGen C3888631, MONDO:0015967.

Submissions (2):

ClinGen Monogenic Diabetes Variant Curation Expert Panel
Classification: Uncertain significance for Monogenic diabetes. Last evaluated: 2025-10-13. Review status: reviewed by expert panel. Criteria: ClinGen Diabetes ACMG Specifications HNF4A V4.0.0. Collection method: curation. Allele origin: germline. Inheritance: Autosomal dominant inheritance.
Comment: The c.-171A>G variant in the hepatocyte nuclear factor 4-alpha gene, HNF4A, is a single nucleotide variant within the promoter of NM_175914.5. This variant is located within the HNF1A/HNF1B binding region (c.-170 to c.-173 and c.-178 to c.-181) of the P2 promoter of HNF4A, which is defined as critical for the protein’s function by the ClinGen MDEP (PM1). This variant is absent from gnomAD v2.1.1 and v4.1.0 (PM2_Supporting). This variant was identified in an individual with diabetes; however, the calculated MODY probability is <50% (internal lab contributors). In summary, c.-171A>G meets the criteria to be classified as a variant of uncertain significance for monogenic diabetes. ACMG/AMP criteria applied, as specified by the ClinGen MDEP VCEP (specification version 4.0.0, approved 10/10/2025): PM1, PM2_Supporting.

Genetic Services Laboratory, University of Chicago
Classification: Uncertain significance. Last evaluated: 2019-07-03. Review status: criteria provided, single submitter. Criteria: ACMG Guidelines, 2015. Collection method: clinical testing. Allele origin: germline. Affected: no. Not counted in ClinVar's aggregate classification.